The following is an entry in ClinVar:

NM_001797.4(CDH11):c.903C>T (p.Gly301=)

Gene: CDH11 (cadherin 11; minus strand). Cytogenetic location: 16q21.
Variant type: single nucleotide variant.
Coding change: c.903C>T on transcript NM_001797.4 (MANE Select); coding-DNA position 903, C replaced by T.
Protein change: p.Gly301=; no amino-acid change (glycine 301 retained).
Molecular consequence: synonymous variant.
Genome position (GRCh38, 1-based): chr16:64,988,253, G>A on the plus strand (C>T on the coding strand, the complement: CDH11 is on the minus strand). VCF-style: chr16-64988253-G-A. GRCh37 (hg19) VCF-style: chr16-65022156-G-A.
Other names: c.903C>T, p.Gly301= (NM_001308392.2); c.525C>T, p.Gly175= (NM_001330576.2); c.903C>T (NM_001797.3).
Identifiers: ClinVar variation 2646591 (VCV002646591.26), dbSNP rs55854547, ClinGen allele CA8092272.
Genomic context (GRCh38, chr16:64,988,253, plus strand): 5'-GTCCGTTGTGATTTCAAACGATTCCATACCATCTCCATCAACAATATTGTATGTGACTAA[G>A]CCATTTTCTCCAATGTCTGGATCTTTAGCTTTCACTCTTCCTACTTCCTCCCCAGGGACG-3'
Protein context (NP_001788.2, residues 291-311): KAKDPDIGEN[Gly301=]LVTYNIVDGD

ClinVar aggregate classification (germline): Likely benign. Review status: criteria provided, multiple submitters, no conflicts (2 of 4 stars). 3 submissions from 3 submitters: Likely benign (3). Last evaluated 2026-08-01.

Conditions:
CDH11-related disorder. Also called: CDH11-related condition.

Allele frequency attached by ClinVar (database versions not stated): gnomAD exomes 0.00101; ExAC 0.00143; ESP Exome Variant Server 0.00185; gnomAD 0.00274; TOPMed 0.00403; 1000 Genomes Project 0.00439; 1000 Genomes Project 30x 0.00468.
gnomAD v4.1: 1,988 of 1,613,590 alleles (0.12%); highest among the groups gnomAD compares: Middle Eastern, 2.2%; 21 homozygotes.

Submissions (3):

CeGaT Center for Human Genetics Tuebingen
Classification: Likely benign. Last evaluated: 2026-08-01. Review status: criteria provided, single submitter. Criteria: CeGaT Center For Human Genetics Tuebingen Variant Classification Criteria Version 2. Collection method: clinical testing. Allele origin: germline. Affected: yes. Observed: 16 variant alleles.
Comment: CDH11: BP4, BP7

PreventionGenetics, part of Exact Sciences
Classification: Likely benign for CDH11-related condition. Last evaluated: 2025-03-11. Review status: criteria provided, single submitter. Criteria: ACMG Guidelines, 2015. Collection method: clinical testing. Allele origin: germline.
Comment: This variant is classified as likely benign based on ACMG/AMP sequence variant interpretation guidelines (Richards et al. 2015 PMID: 25741868, with internal and published modifications).

Blueprint Genetics
Classification: Likely benign. Last evaluated: 2024-11-19. Review status: criteria provided, single submitter. Criteria: ACMG Guidelines, 2015. Collection method: clinical testing. Allele origin: germline.